The following is an entry in ClinVar:

ClinVar aggregate classification (germline): Uncertain significance (1 of 4 stars; one submission).

gnomAD v4.1: 1 of 1,614,028 alleles (0.000062%); highest among the groups gnomAD compares: Admixed American, 0.0017%; no homozygotes.

Submission:

Labcorp Genetics (formerly Invitae), Labcorp
Classification: Uncertain significance. Last evaluated: 2025-05-13. Review status: criteria provided, single submitter. Criteria: Invitae Variant Classification Sherloc (09022015). Collection method: clinical testing. Allele origin: germline.
Comment: This sequence change replaces aspartic acid, which is acidic and polar, with glutamic acid, which is acidic and polar, at codon 44 of the SNRPB protein (p.Asp44Glu). This variant is not present in population databases (gnomAD no frequency). This variant has not been reported in the literature in individuals affected with SNRPB-related conditions. An algorithm developed to predict the effect of missense changes on protein structure and function (PolyPhen-2) suggests that this variant is likely to be disruptive. In summary, the available evidence is currently insufficient to determine the role of this variant in disease. Therefore, it has been classified as a Variant of Uncertain Significance.

NM_003091.4(SNRPB):c.132C>A (p.Asp44Glu)

Gene: SNRPB (small nuclear ribonucleoprotein polypeptides B and B1; minus strand). Cytogenetic location: 20p13.
Variant type: single nucleotide variant.
Coding change: c.132C>A on transcript NM_003091.4 (MANE Select); coding-DNA position 132, C replaced by A.
Protein change: p.Asp44Glu; replaces aspartic acid 44 with glutamic acid.
Molecular consequence: missense variant.
Genome position (GRCh38, 1-based): chr20:2,467,630, G>T on the plus strand (C>A on the coding strand, the complement: SNRPB is on the minus strand). VCF-style: chr20-2467630-G-T. GRCh37 (hg19) VCF-style: chr20-2448276-G-T.
Other names: c.132C>A, p.Asp44Glu (NM_198216.2); short protein forms D44E.
Identifiers: ClinVar variation 4714402 (VCV004714402.1).